The following is an entry in ClinVar:

ClinVar aggregate classification (germline): Uncertain significance. Review status: criteria provided, multiple submitters, no conflicts (2 of 4 stars). 4 submissions from 4 submitters: Uncertain significance (4). Last evaluated 2023-12-18.

Conditions:
Ehlers-Danlos syndrome, type 4 (EDSVASC). Also called: Ehlers-Danlos Syndrome Type IV; Ehlers-Danlos syndrome vascular type; Ehlers Danlos syndrome, ecchymotic type; Ehlers Danlos syndrome, arterial type; Ehlers Danlos syndrome, Sack-Barabas type. Identifiers: Orphanet 286, MedGen C0268338, MONDO:0017314, OMIM 130050.
Polymicrogyria with or without vascular-type Ehlers-Danlos syndrome. Identifiers: Orphanet 636941, MedGen C5193040, MONDO:0032688, OMIM 618343.
Familial thoracic aortic aneurysm and aortic dissection (TAAD). Also called: Thoracic aortic aneurysms and dissections. Identifiers: Orphanet 91387, MedGen C4707243, MONDO:0019625.

Allele frequency attached by ClinVar (database versions not stated): gnomAD exomes below 0.00001; gnomAD 0.00001; ExAC 0.00002; TOPMed 0.00002; ESP Exome Variant Server 0.00015.
gnomAD v4.1: 4 of 1,613,342 alleles (0.00025%); highest among the groups gnomAD compares: African/African-American, 0.0027%; no homozygotes.

Submissions (4):

All of Us Research Program, National Institutes of Health
Classification: Uncertain significance for Ehlers-Danlos syndrome, type 4. Last evaluated: 2023-12-18. Review status: criteria provided, single submitter. Criteria: ACMG Guidelines, 2015. Collection method: clinical testing. Allele origin: germline. Inheritance: Autosomal dominant inheritance. Observed: 2 variant alleles, 2 heterozygotes.
Comment: This missense variant replaces alanine with proline at codon 482 of the COL3A1 protein. Computational prediction tool indicates that this variant may have a neutral impact on protein structure and function. To our knowledge, functional studies have not been reported for this variant. This variant has not been reported in individuals affected with COL3A1-related disorders in the literature. This variant has been identified in 1/251202 chromosomes in the general population by the Genome Aggregation Database (gnomAD). The available evidence is insufficient to determine the role of this variant in disease conclusively. Therefore, this variant is classified as a Variant of Uncertain Significance.

This study involves interpretation of variants in research participants for the purpose of population health screening. Participant phenotype was not available at the time of variant classification. Additional details can be found in publication PMID: 35346344, PMCID: PMC8962531

Color Diagnostics, LLC DBA Color Health
Classification: Uncertain significance for Familial thoracic aortic aneurysm and aortic dissection. Last evaluated: 2023-12-05. Review status: criteria provided, single submitter. Criteria: ACMG Guidelines, 2015. Collection method: clinical testing. Allele origin: germline.
Comment: This missense variant replaces alanine with proline at codon 482 of the COL3A1 protein. Computational prediction suggests that this variant may not impact protein structure and function (internally defined REVEL score threshold <= 0.5, PMID: 27666373). To our knowledge, functional studies have not been reported for this variant. This variant has not been reported in individuals affected with COL3A1-related disorders in the literature. This variant has been identified in 1/251202 chromosomes in the general population by the Genome Aggregation Database (gnomAD). The available evidence is insufficient to determine the role of this variant in disease conclusively. Therefore, this variant is classified as a Variant of Uncertain Significance.

Fulgent Genetics
Classification: Uncertain significance for Ehlers-Danlos syndrome, type 4; Polymicrogyria with or without vascular-type Ehlers-Danlos syndrome. Last evaluated: 2021-10-01. Review status: criteria provided, single submitter. Criteria: ACMG Guidelines, 2015. Collection method: clinical testing. Allele origin: unknown.

GeneDx
Classification: Uncertain significance. Last evaluated: 2020-03-20. Review status: criteria provided, single submitter. Criteria: GeneDx Variant Classification Process June 2021. Collection method: clinical testing. Allele origin: germline. Affected: yes.
Comment: Not observed at a significant frequency in large population cohorts (Lek et al., 2016); In silico analysis supports that this missense variant does not alter protein structure/function; Occurs in the triple helical domain at the Y position in the canonical Gly-X-Y repeat; Has not been previously published as pathogenic or benign to our knowledge

NM_000090.4(COL3A1):c.1444G>C (p.Ala482Pro)

Gene: COL3A1 (collagen type III alpha 1 chain; plus strand). Cytogenetic location: 2q32.2.
Variant type: single nucleotide variant.
Coding change: c.1444G>C on transcript NM_000090.4 (MANE Select); coding-DNA position 1444, G replaced by C.
Protein change: p.Ala482Pro; replaces alanine 482 with proline.
Molecular consequence: missense variant.
Genome position (GRCh38, 1-based): chr2:188,994,820, G>C. VCF-style: chr2-188994820-G-C. GRCh37 (hg19) VCF-style: chr2-189859546-G-C.
Other names: short protein forms A482P.
Identifiers: ClinVar variation 918350 (VCV000918350.8), dbSNP rs374532173, ClinGen allele CA074287.